The following is an entry in ClinVar:

ClinVar aggregate classification (germline): Pathogenic (1 of 4 stars; one submission).

Conditions:
Neurofibromatosis, type 1 (NF1). Also called: VON RECKLINGHAUSEN DISEASE; Neurofibromatosis, type I; NEUROFIBROMATOSIS, TYPE I, SOMATIC; Peripheral type neurofibromatosis. Identifiers: Orphanet 636, MedGen C0027831, MONDO:0018975, OMIM 162200. Disease mechanism: loss of function.

Submission:

Labcorp Genetics (formerly Invitae), Labcorp
Classification: Pathogenic for Neurofibromatosis, type 1. Last evaluated: 2021-05-16. Review status: criteria provided, single submitter. Criteria: Invitae Variant Classification Sherloc (09022015). Collection method: clinical testing. Allele origin: germline.
Comment: For these reasons, this variant has been classified as Pathogenic. This variant has not been reported in the literature in individuals with NF1-related conditions. This variant is not present in population databases (ExAC no frequency). This sequence change creates a premature translational stop signal (p.Lys1704Asnfs*9) in the NF1 gene. It is expected to result in an absent or disrupted protein product. Loss-of-function variants in NF1 are known to be pathogenic (PMID: 10712197, 23913538).

Literature cited by the submitters: PubMed 10712197; PubMed 23913538.

NM_001042492.3(NF1):c.5175del (p.Lys1725fs)

Gene: NF1 (neurofibromin 1; plus strand). Cytogenetic location: 17q11.2.
Variant type: Deletion.
Coding change: c.5175del on transcript NM_001042492.3 (MANE Select); coding-DNA position 5175, one base deleted (A; older notation c.5175delA).
Protein change: p.Lys1725fs; shifts the reading frame from lysine 1725.
Molecular consequence: frameshift variant.
Genome position (GRCh38, 1-based): chr17:31,326,159, A deleted; the last of 3 consecutive A bases (chr17:31,326,157-31,326,159); deleting any one gives the same sequence. VCF-style (leftmost placement, unchanged base first): chr17-31326156-GA-G. GRCh37 (hg19) VCF-style: chr17-29653174-GA-G.
Other names: c.5112delA, p.Lys1704Asnfs (NM_000267.4); short protein forms K1725fs, K1704fs.
Identifiers: ClinVar variation 1392491 (VCV001392491.6), dbSNP rs2151538793, ClinGen allele CA645596479.
Genomic context (GRCh38, chr17:31,326,156, plus strand): 5'-AAGGCTTGTTTTCATAGACTGTCCTGGGAAACTGGCTGAGCACATAGAGCATGAACAACA[GA>G]AACTACCTGCTGCCACCTTGGCTTTAGAAGAGGACCTGAAGGTATTCCACAATGCTCTCA-3'